The following is an entry in ClinVar:

ClinVar aggregate classification (germline): Uncertain significance. Review status: criteria provided, multiple submitters, no conflicts (2 of 4 stars). 3 submissions from 3 submitters: Uncertain significance (3). Last evaluated 2024-01-23.

Conditions:
Inborn genetic diseases. Identifiers: MedGen C0950123, MeSH D030342.
Luscan-Lumish syndrome. Identifiers: Orphanet 597738, MedGen C4085873, MONDO:0014791, OMIM 616831.

Allele frequency attached by ClinVar (database versions not stated): TOPMed 0.00001; gnomAD 0.00002; ESP Exome Variant Server 0.00008.
gnomAD v4.1: 3 of 1,613,926 alleles (0.00019%); highest among the groups gnomAD compares: African/African-American, 0.0027%; no homozygotes.

Submissions (3):

Ambry Genetics
Classification: Uncertain significance for Inborn genetic diseases. Last evaluated: 2024-01-23. Review status: criteria provided, single submitter. Criteria: Ambry Variant Classification Scheme 2023. Collection method: clinical testing. Allele origin: germline.

Women's Health and Genetics/Laboratory Corporation of America, LabCorp
Classification: Uncertain significance. Last evaluated: 2023-09-28. Review status: criteria provided, single submitter. Criteria: LabCorp Variant Classification Summary - May 2015. Collection method: clinical testing. Allele origin: germline.
Comment: Variant summary: SETD2 c.4804A>G (p.Ile1602Val) results in a conservative amino acid change located in the SET domain (IPR001214) of the encoded protein sequence. Three of five in-silico tools predict a damaging effect of the variant on protein function. The variant allele was found at a frequency of 2e-05 in 150904 control chromosomes (gnomAD v3.1.2). The available data on variant occurrences in the general population are insufficient to allow any conclusion about variant significance. To our knowledge, no occurrence of c.4804A>G in individuals affected with Luscan-Lumish Syndrome and no experimental evidence demonstrating its impact on protein function have been reported. One ClinVar submitter has assessed the variant since 2014, and classified the variant as uncertain significance. Based on the evidence outlined above, the variant was classified as uncertain significance.

Labcorp Genetics (formerly Invitae), Labcorp
Classification: Uncertain significance for Luscan-Lumish syndrome. Last evaluated: 2019-07-02. Review status: criteria provided, single submitter. Criteria: Invitae Variant Classification Sherloc (09022015). Collection method: clinical testing. Allele origin: germline.
Comment: In summary, the available evidence is currently insufficient to determine the role of this variant in disease. Therefore, it has been classified as a Variant of Uncertain Significance. Algorithms developed to predict the effect of missense changes on protein structure and function (SIFT, PolyPhen-2, Align-GVGD) all suggest that this variant is likely to be tolerated, but these predictions have not been confirmed by published functional studies and their clinical significance is uncertain. This variant has not been reported in the literature in individuals with SETD2-related conditions. This variant is not present in population databases (ExAC no frequency). This sequence change replaces isoleucine with valine at codon 1602 of the SETD2 protein (p.Ile1602Val). The isoleucine residue is highly conserved and there is a small physicochemical difference between isoleucine and valine.

NM_014159.7(SETD2):c.4804A>G (p.Ile1602Val)

Gene: SETD2 (SET domain containing 2, histone lysine methyltransferase; minus strand). Cytogenetic location: 3p21.31.
Variant type: single nucleotide variant.
Coding change: c.4804A>G on transcript NM_014159.7 (MANE Select); coding-DNA position 4804, A replaced by G.
Protein change: p.Ile1602Val; replaces isoleucine 1602 with valine.
Molecular consequence: missense variant. On other transcripts: non-coding transcript variant (1).
Genome position (GRCh38, 1-based): chr3:47,106,032, T>C on the plus strand (A>G on the coding strand, the complement: SETD2 is on the minus strand). VCF-style: chr3-47106032-T-C. GRCh37 (hg19) VCF-style: chr3-47147522-T-C.
Other names: c.4672A>G, p.Ile1558Val (NM_001349370.3); short protein forms I1558V, I1602V.
Identifiers: ClinVar variation 952561 (VCV000952561.8), dbSNP rs374749926, ClinGen allele CA73791882.